The following is an entry in ClinVar:

NM_001372.4(DNAH9):c.615-2A>G

Gene: DNAH9 (dynein axonemal heavy chain 9; plus strand). Cytogenetic location: 17p12.
Variant type: single nucleotide variant.
Coding change: c.615-2A>G on transcript NM_001372.4 (MANE Select); the canonical splice acceptor site of the intron before coding-DNA position 615, A replaced by G.
Molecular consequence: splice acceptor variant.
Genome position (GRCh38, 1-based): chr17:11,610,394, A>G. VCF-style: chr17-11610394-A-G. GRCh37 (hg19) VCF-style: chr17-11513711-A-G.
Other names: c.615-2A>G (NM_001372.3).
Identifiers: ClinVar variation 1499334 (VCV001499334.5), dbSNP rs2072609192, ClinGen allele CA398160412.

ClinVar aggregate classification (germline): Likely pathogenic. Review status: criteria provided, multiple submitters, no conflicts (2 of 4 stars). 3 submissions from 3 submitters: Likely pathogenic (2). 1 of the submissions does not count toward it. Last evaluated 2023-04-03.

Conditions:
DNAH9-related disorder. Also called: DNAH9-related condition.
Ciliary dyskinesia, primary, 40. Also called: CILIARY DYSKINESIA, PRIMARY, 40, WITH OR WITHOUT SITUS INVERSUS. Identifiers: MedGen C4749028, MONDO:0032664, OMIM 618300.

Allele frequency attached by ClinVar (database versions not stated): gnomAD exomes below 0.00001.
gnomAD v4.1: 1 of 1,610,496 alleles (0.000062%); highest among the groups gnomAD compares: Non-Finnish European, 0.000085%; no homozygotes.

Submissions (3):

Department of Pathology and Laboratory Medicine, Sinai Health System
Classification: Likely pathogenic for Ciliary dyskinesia, primary, 40. Last evaluated: 2023-04-03. Review status: criteria provided, single submitter. Criteria: ACMG Guidelines, 2015. Collection method: research. Allele origin: germline.

Labcorp Genetics (formerly Invitae), Labcorp
Classification: Likely pathogenic. Last evaluated: 2021-12-02. Review status: criteria provided, single submitter. Criteria: Invitae Variant Classification Sherloc (09022015). Collection method: clinical testing. Allele origin: germline.
Comment: This sequence change affects an acceptor splice site in intron 2 of the DNAH9 gene. It is expected to disrupt RNA splicing. Variants that disrupt the donor or acceptor splice site typically lead to a loss of protein function (PMID: 16199547), and loss-of-function variants in DNAH9 are known to be pathogenic (PMID: 30471718). This variant is not present in population databases (gnomAD no frequency). This variant has not been reported in the literature in individuals affected with DNAH9-related conditions. Algorithms developed to predict the effect of sequence changes on RNA splicing suggest that this variant may disrupt the consensus splice site. In summary, the currently available evidence indicates that the variant is pathogenic, but additional data are needed to prove that conclusively. Therefore, this variant has been classified as Likely Pathogenic.

PreventionGenetics, part of Exact Sciences
Classification: Likely pathogenic for DNAH9-related condition. Last evaluated: 2024-08-06. Review status: no assertion criteria provided. Collection method: clinical testing. Allele origin: germline. Not counted in ClinVar's aggregate classification.
Comment: The DNAH9 c.615-2A>G variant is predicted to disrupt the AG splice acceptor site and interfere with normal splicing. To our knowledge, this variant has not been reported in the literature or in a large population database, indicating this variant is rare. Variants that disrupt the consensus splice acceptor site in DNAH9 are expected to be pathogenic. This variant is interpreted as likely pathogenic.

Literature cited by the submitters: PubMed 16199547 (cited by Labcorp Genetics (formerly Invitae), Labcorp); PubMed 30471718 (cited by Labcorp Genetics (formerly Invitae), Labcorp).